The following is an entry in ClinVar:

NM_015164.4(PLEKHM2):c.460G>C (p.Asp154His)

Gene: PLEKHM2 (pleckstrin homology and RUN domain containing M2; plus strand). Cytogenetic location: 1p36.21.
Variant type: single nucleotide variant.
Coding change: c.460G>C on transcript NM_015164.4 (MANE Select); coding-DNA position 460, G replaced by C.
Protein change: p.Asp154His; replaces aspartic acid 154 with histidine.
Molecular consequence: missense variant.
Genome position (GRCh38, 1-based): chr1:15,718,620, G>C. VCF-style: chr1-15718620-G-C. GRCh37 (hg19) VCF-style: chr1-16045115-G-C.
Other names: c.460G>C, p.Asp154His (NM_001410755.1); short protein forms D154H.
Identifiers: ClinVar variation 2187077 (VCV002187077.4), dbSNP rs939394495, ClinGen allele CA18291737.
Genomic context (GRCh38, chr1:15,718,620, plus strand): 5'-GATCACCTGACGCTCTTCCTGACCTTGGTGTCCGGGCTAGAGTTCATTCGTTTCGAGCTG[G>C]ATCTGGTGAGACACCAGGGCTCTCACTGCTTGTGGGAAGCAGAGGAGGGGGCAGGGTGGG-3'
Protein context (NP_055979.2, residues 144-164): SGLEFIRFEL[Asp154His]LDAPYLDLAP

ClinVar aggregate classification (germline): Uncertain significance (1 of 4 stars; one submission).

gnomAD v4.1: 10 of 1,329,422 alleles (0.00075%); highest among the groups gnomAD compares: Non-Finnish European, 0.0009%; no homozygotes.

Submission:

Labcorp Genetics (formerly Invitae), Labcorp
Classification: Uncertain significance. Last evaluated: 2022-09-17. Review status: criteria provided, single submitter. Criteria: Invitae Variant Classification Sherloc (09022015). Collection method: clinical testing. Allele origin: germline.
Comment: In summary, the available evidence is currently insufficient to determine the role of this variant in disease. Therefore, it has been classified as a Variant of Uncertain Significance. Algorithms developed to predict the effect of missense changes on protein structure and function are either unavailable or do not agree on the potential impact of this missense change (SIFT: "Deleterious"; PolyPhen-2: "Benign"; Align-GVGD: "Class C0"). This variant has not been reported in the literature in individuals affected with PLEKHM2-related conditions. This variant is not present in population databases (gnomAD no frequency). This sequence change replaces aspartic acid, which is acidic and polar, with histidine, which is basic and polar, at codon 154 of the PLEKHM2 protein (p.Asp154His).